The following is an entry in ClinVar:

NM_006612.6(KIF1C):c.1656A>G (p.Pro552=)

Gene: KIF1C (kinesin family member 1C; plus strand). Cytogenetic location: 17p13.2.
Variant type: single nucleotide variant.
Coding change: c.1656A>G on transcript NM_006612.6 (MANE Select); coding-DNA position 1656, A replaced by G.
Protein change: p.Pro552=; no amino-acid change (proline 552 retained).
Molecular consequence: synonymous variant.
Genome position (GRCh38, 1-based): chr17:5,014,827, A>G. VCF-style: chr17-5014827-A-G. GRCh37 (hg19) VCF-style: chr17-4918122-A-G.
Other names: p.Pro552=.
Identifiers: ClinVar variation 387793 (VCV000387793.17), dbSNP rs57144955, ClinGen allele CA8319073.

ClinVar aggregate classification (germline): Benign. Review status: criteria provided, multiple submitters, no conflicts (2 of 4 stars). 5 submissions from 5 submitters: Benign (5). Last evaluated 2026-01-27.

Conditions:
Hereditary spastic paraplegia. Also called: Familial spastic paraparesis. Identifiers: Orphanet 685, MedGen C0037773, MONDO:0019064. Disease mechanism: loss of function.
Spastic ataxia 2. Also called: Ataxia, spastic, 2, autosomal recessive. Identifiers: Orphanet 397946, MedGen C1969796, MONDO:0012651, OMIM 611302.

Allele frequency attached by ClinVar (database versions not stated): gnomAD exomes 0.00352 and 0.00875; ExAC 0.01830; 1000 Genomes Project 0.03395; ESP Exome Variant Server 0.03522; gnomAD 0.03523 and 0.03773; 1000 Genomes Project 30x 0.03763; TOPMed 0.04022.
gnomAD v4.1: 10,685 of 1,591,798 alleles (0.67%); highest among the groups gnomAD compares: African/African-American, 12%; 593 homozygotes.

Submissions (5):

Labcorp Genetics (formerly Invitae), Labcorp
Classification: Benign for Spastic ataxia 2. Last evaluated: 2026-01-27. Review status: criteria provided, single submitter. Criteria: Invitae Variant Classification Sherloc (09022015). Collection method: clinical testing. Allele origin: germline.

Mayo Clinic Laboratories, Mayo Clinic
Classification: Benign. Last evaluated: 2022-03-24. Review status: criteria provided, single submitter. Criteria: ACMG Guidelines, 2015. Collection method: clinical testing. Allele origin: germline. Observed: 13 variant alleles.

Genome Diagnostics Laboratory, The Hospital for Sick Children
Classification: Benign for Hereditary spastic paraplegia. Last evaluated: 2022-01-17. Review status: criteria provided, single submitter. Criteria: ACMG Guidelines, 2015. Collection method: clinical testing. Allele origin: germline. Affected: yes.

GeneDx
Classification: Benign. Last evaluated: 2016-08-16. Review status: criteria provided, single submitter. Criteria: GeneDx Variant Classification (06012015). Collection method: clinical testing. Allele origin: germline. Affected: yes.
Comment: This variant is considered likely benign or benign based on one or more of the following criteria: it is a conservative change, it occurs at a poorly conserved position in the protein, it is predicted to be benign by multiple in silico algorithms, and/or has population frequency not consistent with disease.

Breakthrough Genomics
Classification: Benign. Review status: criteria provided, single submitter. Criteria: ACMG Guidelines, 2015. Collection method: not provided. Allele origin: germline. Inheritance: Autosomal recessive inheritance. Affected: yes.